The following is an entry in ClinVar:

ClinVar aggregate classification (germline): Likely benign. Review status: criteria provided, multiple submitters, no conflicts (2 of 4 stars). 2 submissions from 2 submitters: Likely benign (2). Last evaluated 2025-04-20.

Conditions:
IDS-related disorder. Also called: IDS-related condition.
Mucopolysaccharidosis, MPS-II (MPS2). Also called: IDS deficiency; Sulfoiduronate sulfatase deficiency; SIDS deficiency; Mucopolysaccharidosis with skin involvement; IDURONATE 2-SULFATASE DEFICIENCY; Mucopolysaccharidosis Type II. Identifiers: Orphanet 580, Orphanet 79388, MedGen C0026705, MONDO:0010674, OMIM 309900.

Submissions (2):

PreventionGenetics, part of Exact Sciences
Classification: Likely benign for IDS-related condition. Last evaluated: 2025-04-20. Review status: criteria provided, single submitter. Criteria: ACMG Guidelines, 2015. Collection method: clinical testing. Allele origin: germline.
Comment: This variant is classified as likely benign based on ACMG/AMP sequence variant interpretation guidelines (Richards et al. 2015 PMID: 25741868, with internal and published modifications).

Labcorp Genetics (formerly Invitae), Labcorp
Classification: Likely benign for Mucopolysaccharidosis, MPS-II. Last evaluated: 2023-12-21. Review status: criteria provided, single submitter. Criteria: Invitae Variant Classification Sherloc (09022015). Collection method: clinical testing. Allele origin: germline.

NM_000202.8(IDS):c.508-5G>T

Genes: IDS (iduronate 2-sulfatase; minus strand), LOC106050102 (IDS recombination region; plus strand). Cytogenetic location: Xq28.
Variant type: single nucleotide variant.
Coding change: c.508-5G>T on transcript NM_000202.8 (MANE Select); 5 bases into the intron before coding-DNA position 508, G replaced by T.
Molecular consequence: intron variant.
Genome position (GRCh38, 1-based): chrX:149,498,312, C>A on the plus strand (G>T on the coding strand, the complement: IDS is on the minus strand). VCF-style: chrX-149498312-C-A. GRCh37 (hg19) VCF-style: chrX-148579843-C-A.
Other names: c.508-5G>T (NM_000202.7, NM_006123.5); c.238-5G>T (NM_001166550.4).
Identifiers: ClinVar variation 1146333 (VCV001146333.10), dbSNP rs1889382373, ClinGen allele CA2499226423.